The following is an entry in ClinVar:

ClinVar aggregate classification (germline): Likely benign. Review status: criteria provided, multiple submitters, no conflicts (2 of 4 stars). 2 submissions from 2 submitters: Likely benign (2). Last evaluated 2024-10-08.

Conditions:
Spastic paraplegia. Identifiers: MedGen C0037772, HP:0001258.

Allele frequency attached by ClinVar (database versions not stated): gnomAD exomes below 0.00001.
gnomAD v4.1: 1 of 1,605,664 alleles (0.000062%); highest among the groups gnomAD compares: Non-Finnish European, 0.000085%; no homozygotes.

Submissions (2):

Labcorp Genetics (formerly Invitae), Labcorp
Classification: Likely benign for Spastic paraplegia. Last evaluated: 2024-10-08. Review status: criteria provided, single submitter. Criteria: Invitae Variant Classification Sherloc (09022015). Collection method: clinical testing. Allele origin: germline.

Women's Health and Genetics/Laboratory Corporation of America, LabCorp
Classification: Likely benign. Last evaluated: 2023-05-30. Review status: criteria provided, single submitter. Criteria: LabCorp Variant Classification Summary - May 2015. Collection method: clinical testing. Allele origin: germline.
Comment: Variant summary: SLC33A1 c.1518C>T alters a non-conserved nucleotide resulting in a synonymous change. 4/4 computational tools predict no significant impact on normal splicing. However, these predictions have yet to be confirmed by functional studies. The variant was absent in 251198 control chromosomes (gnomAD). The available data on variant occurrences in the general population are insufficient to allow any conclusion about variant significance. To our knowledge, no occurrence of c.1518C>T in individuals affected with Congenital Cataract-Hearing Loss-Severe Developmental Delay Syndrome and no experimental evidence demonstrating its impact on protein function have been reported. No clinical diagnostic laboratories have submitted clinical-significance assessments for this variant to ClinVar after 2014. Based on the evidence outlined above, the variant was classified as likely benign.

NM_004733.4(SLC33A1):c.1518C>T (p.Ala506=)

Gene: SLC33A1 (solute carrier family 33 member 1; minus strand). Cytogenetic location: 3q25.31.
Variant type: single nucleotide variant.
Coding change: c.1518C>T on transcript NM_004733.4 (MANE Select); coding-DNA position 1518, C replaced by T.
Protein change: p.Ala506=; no amino-acid change (alanine 506 retained).
Molecular consequence: synonymous variant.
Genome position (GRCh38, 1-based): chr3:155,828,342, G>A on the plus strand (C>T on the coding strand, the complement: SLC33A1 is on the minus strand). VCF-style: chr3-155828342-G-A. GRCh37 (hg19) VCF-style: chr3-155546131-G-A.
Other names: c.1518C>T, p.Ala506= (NM_001190992.2); c.1212C>T, p.Ala404= (NM_001363883.1).
Identifiers: ClinVar variation 2506309 (VCV002506309.3), dbSNP rs2473803031, ClinGen allele CA436447179.
Genomic context (GRCh38, chr3:155,828,342, plus strand): 5'-GAACCACCAACCAAATCCAATGAAAACACAAATAATGGACTCCACATAATAACCATCCAG[G>A]GCTGTAACACATGAGCCACCCAGTTTTTTGCAAAGCTGTAAAAATAAAACTATAATAAAT-3'
Protein context (NP_004724.1, residues 496-516): CKKLGGSCVT[Ala506=]LDGYYVESII